The following is an entry in ClinVar:

NM_020433.5(JPH2):c.1882A>G (p.Ile628Val)

Gene: JPH2 (junctophilin 2; minus strand). Cytogenetic location: 20q13.12.
Variant type: single nucleotide variant.
Coding change: c.1882A>G on transcript NM_020433.5 (MANE Select); coding-DNA position 1882, A replaced by G.
Protein change: p.Ile628Val; replaces isoleucine 628 with valine.
Molecular consequence: missense variant.
Genome position (GRCh38, 1-based): chr20:44,115,793, T>C on the plus strand (A>G on the coding strand, the complement: JPH2 is on the minus strand). VCF-style: chr20-44115793-T-C. GRCh37 (hg19) VCF-style: chr20-42744433-T-C.
Other names: short protein forms I628V.
Identifiers: ClinVar variation 1523666 (VCV001523666.8), dbSNP rs2145838095, ClinGen allele CA409099753.

ClinVar aggregate classification (germline): Uncertain significance (1 of 4 stars; one submission).

Conditions:
Hypertrophic cardiomyopathy. Also called: HYPERTROPHIC MYOCARDIOPATHY. Identifiers: Orphanet 217569, MedGen C0007194, MeSH D002312, MONDO:0005045, HP:0001639.

Allele frequency attached by ClinVar (database versions not stated): gnomAD exomes below 0.00001.
gnomAD v4.1: 1 of 1,609,246 alleles (0.000062%); highest among the groups gnomAD compares: Non-Finnish European, 0.000085%; no homozygotes.

Submission:

Labcorp Genetics (formerly Invitae), Labcorp
Classification: Uncertain significance for Hypertrophic cardiomyopathy. Last evaluated: 2021-03-22. Review status: criteria provided, single submitter. Criteria: Invitae Variant Classification Sherloc (09022015). Collection method: clinical testing. Allele origin: germline.
Comment: In summary, the available evidence is currently insufficient to determine the role of this variant in disease. Therefore, it has been classified as a Variant of Uncertain Significance. Algorithms developed to predict the effect of missense changes on protein structure and function output the following: SIFT: "Tolerated"; PolyPhen-2: "Benign"; Align-GVGD: "Class C0". The valine amino acid residue is found in multiple mammalian species, suggesting that this missense change does not adversely affect protein function. These predictions have not been confirmed by published functional studies and their clinical significance is uncertain. This variant has not been reported in the literature in individuals with JPH2-related conditions. This variant is not present in population databases (ExAC no frequency). This sequence change replaces isoleucine with valine at codon 628 of the JPH2 protein (p.Ile628Val). The isoleucine residue is weakly conserved and there is a small physicochemical difference between isoleucine and valine.